The following is an entry in ClinVar:

ClinVar aggregate classification (germline): Uncertain significance. Review status: criteria provided, multiple submitters, no conflicts (2 of 4 stars). 2 submissions from 2 submitters: Uncertain significance (2). Last evaluated 2025-06-13.

Conditions:
Dyskeratosis congenita, autosomal dominant 2. Identifiers: MedGen C3151443, MONDO:0013521, OMIM 613989.
Idiopathic Pulmonary Fibrosis. Also called: Idiopathic fibrosing alveolitis, chronic form; idiopathic fibrosing alveolitis. Identifiers: Orphanet 2032, MedGen C1800706, MeSH D054990, MONDO:0800504.
Dyskeratosis congenita. Identifiers: Orphanet 1775, MedGen C0265965, MONDO:0015780.

Submissions (2):

Ambry Genetics
Classification: Uncertain significance for Dyskeratosis congenita. Last evaluated: 2025-06-13. Review status: criteria provided, single submitter. Criteria: Ambry Variant Classification Scheme 2023. Collection method: clinical testing. Allele origin: germline.
Comment: The p.S619T variant (also known as c.1855T>A), located in coding exon 4 of the TERT gene, results from a T to A substitution at nucleotide position 1855. The serine at codon 619 is replaced by threonine, an amino acid with similar properties. This amino acid position is conserved. In addition, the in silico prediction for this alteration is inconclusive. Based on the available evidence, the clinical significance of this variant remains unclear.

Labcorp Genetics (formerly Invitae), Labcorp
Classification: Uncertain significance for Dyskeratosis congenita, autosomal dominant 2; Idiopathic Pulmonary Fibrosis. Last evaluated: 2020-01-25. Review status: criteria provided, single submitter. Criteria: Invitae Variant Classification Sherloc (09022015). Collection method: clinical testing. Allele origin: germline.
Comment: This sequence change replaces serine with threonine at codon 619 of the TERT protein (p.Ser619Thr). The serine residue is highly conserved and there is a small physicochemical difference between serine and threonine. This variant is not present in population databases (ExAC no frequency). This variant has not been reported in the literature in individuals with TERT-related conditions. Algorithms developed to predict the effect of missense changes on protein structure and function are either unavailable or do not agree on the potential impact of this missense change (SIFT: "Tolerated"; PolyPhen-2: "Possibly Damaging"; Align-GVGD: "Class C0"). In summary, the available evidence is currently insufficient to determine the role of this variant in disease. Therefore, it has been classified as a Variant of Uncertain Significance.

NM_198253.3(TERT):c.1855T>A (p.Ser619Thr)

Gene: TERT (telomerase reverse transcriptase; minus strand). Cytogenetic location: 5p15.33.
Variant type: single nucleotide variant.
Coding change: c.1855T>A on transcript NM_198253.3 (MANE Select); coding-DNA position 1855, T replaced by A.
Protein change: p.Ser619Thr; replaces serine 619 with threonine.
Molecular consequence: missense variant. On other transcripts: non-coding transcript variant (2).
Genome position (GRCh38, 1-based): chr5:1,280,253, A>T on the plus strand (T>A on the coding strand, the complement: TERT is on the minus strand). VCF-style: chr5-1280253-A-T. GRCh37 (hg19) VCF-style: chr5-1280368-A-T.
Other names: c.1855T>A, p.Ser619Thr (NM_001193376.3); c.1855T>A (NM_198253.2); short protein forms S619T.
Identifiers: ClinVar variation 1047387 (VCV001047387.48), dbSNP rs1749929033, ClinGen allele CA359081735.